The following is an entry in ClinVar:

ClinVar aggregate classification (germline): Pathogenic (1 of 4 stars; one submission).

Conditions:
Hereditary hemorrhagic telangiectasia (HHT). Also called: ORW DISEASE; Osler Weber Rendu syndrome; OSLER-RENDU-WEBER DISEASE; Osler hemorrhagic telangiectasia syndrome. Identifiers: Orphanet 774, MedGen C0039445, MONDO:0019180. Disease mechanism: loss of function.

Submission:

Labcorp Genetics (formerly Invitae), Labcorp
Classification: Pathogenic for Hereditary hemorrhagic telangiectasia. Last evaluated: 2019-06-19. Review status: criteria provided, single submitter. Criteria: Invitae Variant Classification Sherloc (09022015). Collection method: clinical testing. Allele origin: germline.
Comment: For these reasons, this variant has been classified as Pathogenic. Loss-of-function variants in ENG are known to be pathogenic (PMID: 15879500, 20656886, 22385575). This variant has not been reported in the literature in individuals with ENG-related conditions. This variant is not present in population databases (ExAC no frequency). This sequence change creates a premature translational stop signal (p.Pro256Valfs*74) in the ENG gene. It is expected to result in an absent or disrupted protein product.

Literature cited by the submitters: PubMed 15879500; PubMed 20656886; PubMed 22385575.

NM_001114753.3(ENG):c.766_776del (p.Pro256fs)

Gene: ENG (endoglin; minus strand). Cytogenetic location: 9q34.11.
Variant type: Deletion.
Coding change: c.766_776del on transcript NM_001114753.3 (MANE Select); coding-DNA positions 766 to 776, 11 bases deleted (CCCCCCTACGT).
Protein change: p.Pro256fs; shifts the reading frame from proline 256.
Molecular consequence: frameshift variant.
Genome position (GRCh38, 1-based): chr9:127,825,271-127,825,281, ACGTAGGGGGG deleted on the plus strand (CCCCCCTACGT on the coding strand, the reverse complement: ENG is on the minus strand); deleting any 11 consecutive bases within chr9:127,825,271-127,825,283 gives the same sequence; the c. name uses the placement nearest the transcript's 3' end. VCF-style (leftmost placement, unchanged base first): chr9-127825270-CACGTAGGGGGG-C. GRCh37 (hg19) VCF-style: chr9-130587549-CACGTAGGGGGG-C.
Other names: c.764_774delGTCCCCCCTAC, p.Pro256Valfs (NM_000118.4, NM_001406715.1); c.220_230del, p.Pro74fs (NM_001278138.2); short protein forms P74fs, P256fs.
Identifiers: ClinVar variation 943127 (VCV000943127.10), dbSNP rs1830579764, ClinGen allele CA1139661209.